The following is an entry in ClinVar:

NM_000163.5(GHR):c.10T>C (p.Trp4Arg)

Gene: GHR (growth hormone receptor; plus strand). Cytogenetic location: 5p12.
Variant type: single nucleotide variant.
Coding change: c.10T>C on transcript NM_000163.5 (MANE Select); coding-DNA position 10, T replaced by C.
Protein change: p.Trp4Arg; replaces tryptophan 4 with arginine.
Molecular consequence: missense variant.
Genome position (GRCh38, 1-based): chr5:42,565,884, T>C. VCF-style: chr5-42565884-T-C. GRCh37 (hg19) VCF-style: chr5-42565986-T-C.
Other names: c.31T>C, p.Trp11Arg (NM_001242399.2); c.10T>C, p.Trp4Arg (NM_001242400.2, NM_001242401.4, NM_001242402.2 and 6 more transcripts); short protein forms W11R, W4R.
Identifiers: ClinVar variation 3604484 (VCV003604484.3).

ClinVar aggregate classification (germline): Uncertain significance. Review status: criteria provided, multiple submitters, no conflicts (2 of 4 stars). 2 submissions from 2 submitters: Uncertain significance (2). Last evaluated 2025-06-17.

gnomAD v4.1: 26 of 1,613,890 alleles (0.0016%); highest among the groups gnomAD compares: Non-Finnish European, 0.0022%; no homozygotes.

Submissions (2):

Labcorp Genetics (formerly Invitae), Labcorp
Classification: Uncertain significance. Last evaluated: 2025-06-17. Review status: criteria provided, single submitter. Criteria: Invitae Variant Classification Sherloc (09022015). Collection method: clinical testing. Allele origin: germline.
Comment: This sequence change replaces tryptophan, which is neutral and slightly polar, with arginine, which is basic and polar, at codon 4 of the GHR protein (p.Trp4Arg). This variant is present in population databases (rs34838342, gnomAD 0.0009%). This variant has not been reported in the literature in individuals affected with GHR-related conditions. ClinVar contains an entry for this variant (Variation ID: 3604484). Invitae Evidence Modeling of protein sequence and biophysical properties (such as structural, functional, and spatial information, amino acid conservation, physicochemical variation, residue mobility, and thermodynamic stability) indicates that this missense variant is not expected to disrupt GHR protein function with a negative predictive value of 80%. In summary, the available evidence is currently insufficient to determine the role of this variant in disease. Therefore, it has been classified as a Variant of Uncertain Significance.

Blueprint Genetics
Classification: Uncertain significance. Last evaluated: 2022-07-19. Review status: criteria provided, single submitter. Criteria: ACMG Guidelines, 2015. Collection method: clinical testing. Allele origin: germline.